The following continues an entry in ClinVar:

NM_001134363.3(RBM20):c.1913C>T (p.Pro638Leu)

Gene: RBM20. ClinVar aggregate classification (germline): Pathogenic. Pathogenic (15).

Submissions 12 to 17 of 17:

Ambry Genetics
Classification: Pathogenic for Cardiovascular phenotype. Last evaluated: 2021-07-01. Review status: criteria provided, single submitter. Criteria: Ambry General Variant Classification Scheme_2022. Collection method: clinical testing. Allele origin: germline. Observed: 1 variant allele.
Comment: The p.P638L pathogenic mutation (also known as c.1913C>T), located in coding exon 9 of the RBM20 gene, results from a C to T substitution at nucleotide position 1913. The proline at codon 638 is replaced by leucine, an amino acid with similar properties. This alteration has been detected in individuals with dilated cardiomyopathy (DCM), and has been reported to segregate with disease in multiple families (Brauch KM et al. J Am Coll Cardiol. 2009 Sep;54:930-41; Refaat MM et al. Heart Rhythm. 2012;9:390-6; Pugh TJ et al. Genet Med. 2014;16:601-8; Long PA et al. J Cardiovasc Dev Dis, 2017 Aug;4; Klauke B et al. PLoS One, 2017 Dec;12:e0189489; Gaertner A et al. Hum Mutat, 2020 11;41:1931-1943). In addition, this alteration has been noted as occurring in the RS-rich hot spot region, and studies have suggested this alteration results in cytoplasmic mislocalization and altered protein function (Guo W et al. Nat Med. 2012;18:766-73; Gaertner A et al. Hum Mutat, 2020 11;41:1931-1943). Based on the supporting evidence, this alteration is interpreted as a disease-causing mutation.

Fulgent Genetics
Classification: Pathogenic for Dilated cardiomyopathy 1DD. Last evaluated: 2018-10-31. Review status: criteria provided, single submitter. Criteria: ACMG Guidelines, 2015. Collection method: clinical testing. Allele origin: unknown.

Laboratory for Molecular Medicine, Mass General Brigham Personalized Medicine
Classification: Pathogenic for Primary dilated cardiomyopathy. Last evaluated: 2014-12-16. Review status: criteria provided, single submitter. Criteria: LMM Criteria. Collection method: clinical testing. Allele origin: germline. Inheritance: Autosomal dominant inheritance. Observed: 6 variant alleles.
Comment: The p.Pro638Leu variant in RBM20 has been reported in 3 families with DCM, segre gated with disease in >10 affected individuals (including 2 affected obligate ca rriers) and was absent from 2160 control chromosomes (Brauch 2009, Refaat 2012) and other large population studies. Additionally, this variant has been identifi ed by our laboratory in 2 individuals with DCM and LV dilation/dysfunction, 1 in dividual with atypical ARVC, and segregated with disease in 2 affected relatives . In vitro studies suggest that the p.Pro638Leu variant may impact protein funct ion (Guo 2012). Proline (Pro) at position 638 is highly conserved in mammals and evolutionarily distant species and lies within a conserved protein domain in wh ich other pathogenic variants have been reported (Brauch 2009, Li 2010). In summ ary, this variant meets our criteria to be classified as pathogenic for DCM in a n autosomal dominant manner based upon segregation studies, absence from controls, and functional evidence.

Clinical Genetics Service, Universitary Hospital 12 de Octubre
Classification: Pathogenic for Dilated cardiomyopathy 1DD. Review status: criteria provided, single submitter. Criteria: ACMG Guidelines, 2015. Collection method: clinical testing. Allele origin: germline. Affected: yes.

Institut für Laboratoriums- und Transfusionsmedizin, Herz- und Diabeteszentrum Nordrhein-Westfalen
Classification: Pathogenic for Dilated cardiomyopathy 1S. Last evaluated: 2016-05-01. Review status: no assertion criteria provided. Collection method: clinical testing. Allele origin: inherited. Affected: yes. Observed: 3 variant alleles. Not counted in ClinVar's aggregate classification.

OMIM
Classification: Pathogenic for CARDIOMYOPATHY, DILATED, 1DD. Last evaluated: 2009-09-01. Review status: no assertion criteria provided. Collection method: literature only. Allele origin: germline. Not counted in ClinVar's aggregate classification.

Literature cited by the submitters: PubMed 19712804 (cited by 6 submitters); PubMed 22004663 (cited by 4 submitters); PubMed 22466703 (cited by 3 submitters); PubMed 27496873 (cited by Victorian Clinical Genetics Services, Murdoch Childrens Research Institute); PubMed 32187365 (cited by Victorian Clinical Genetics Services, Murdoch Childrens Research Institute); PubMed 29895960 (cited by Victorian Clinical Genetics Services, Murdoch Childrens Research Institute); PubMed 34575212 (cited by Victorian Clinical Genetics Services, Murdoch Childrens Research Institute); PubMed 32840935 (cited by Victorian Clinical Genetics Services, Murdoch Childrens Research Institute and Ambry Genetics); PubMed 29369293 (cited by Dasa); PubMed 20590677 (cited by Ambry Genetics and Laboratory for Molecular Medicine, Mass General Brigham Personalized Medicine); PubMed 24503780 (cited by Ambry Genetics); PubMed 24584570 (cited by Ambry Genetics); PubMed 27532257 (cited by Ambry Genetics); PubMed 28798025 (cited by Ambry Genetics); PubMed 29253866 (cited by Ambry Genetics); PubMed 29367541 (cited by Ambry Genetics); PubMed 29650543 (cited by Ambry Genetics); PubMed 30847666 (cited by Ambry Genetics); PubMed 30871348 (cited by Ambry Genetics); PubMed 31737537 (cited by Ambry Genetics); PubMed 32969603 (cited by Ambry Genetics).